The following is an entry in ClinVar:

NM_001082971.2(DDC):c.175G>A (p.Asp59Asn)

Gene: DDC (dopa decarboxylase; minus strand). Cytogenetic location: 7p12.1.
Variant type: single nucleotide variant.
Coding change: c.175G>A on transcript NM_001082971.2 (MANE Select); coding-DNA position 175, G replaced by A.
Protein change: p.Asp59Asn; replaces aspartic acid 59 with asparagine.
Molecular consequence: missense variant.
Genome position (GRCh38, 1-based): chr7:50,543,911, C>T on the plus strand (G>A on the coding strand, the complement: DDC is on the minus strand). VCF-style: chr7-50543911-C-T. GRCh37 (hg19) VCF-style: chr7-50611609-C-T.
Other names: c.175G>A, p.Asp59Asn (NM_000790.4, NM_001242886.2, NM_001242887.2 and 3 more transcripts); short protein forms D59N.
Identifiers: ClinVar variation 1324215 (VCV001324215.11), dbSNP rs931702374, ClinGen allele CA158234563.

ClinVar aggregate classification (germline): Pathogenic/Likely pathogenic. Review status: criteria provided, multiple submitters, no conflicts (2 of 4 stars). 3 submissions from 3 submitters: Pathogenic (2); Likely pathogenic (1). Last evaluated 2026-04-16.

Conditions:
Deficiency of aromatic-L-amino-acid decarboxylase. Also called: AADC DEFICIENCY; DDC DEFICIENCY; DOPA DECARBOXYLASE DEFICIENCY; Aromatic L-Amino Acid Decarboxylase Deficiency; Aromatic amino acid decarboxylase deficiency. Identifiers: Orphanet 35708, MedGen C1291564, MONDO:0012084, OMIM 608643.

Allele frequency attached by ClinVar (database versions not stated): TOPMed below 0.00001; gnomAD exomes below 0.00001.
gnomAD v4.1: 7 of 1,614,138 alleles (0.00043%); highest among the groups gnomAD compares: South Asian, 0.0011%; no homozygotes.

Submissions (3):

Victorian Clinical Genetics Services, Murdoch Childrens Research Institute
Classification: Pathogenic for Deficiency of aromatic-L-amino-acid decarboxylase. Last evaluated: 2026-04-16. Review status: criteria provided, single submitter. Criteria: ACMG Guidelines, 2015. Collection method: clinical testing. Allele origin: germline. Affected: yes.
Comment: This variant is classified as Pathogenic. Evidence in support of pathogenic classification: Variant is present in gnomAD <0.01 for a recessive condition (v4: 7 heterozygote(s), 0 homozygote(s)); This variant has strong previous evidence of pathogenicity in unrelated individuals. This variant has been classified as likely pathogenic/pathogenic by clinical laboratories in ClinVar. Additionally, it has been reported in individuals with AADC deficiency, in both a compound heterozygous and homozygous state (PMID: 32409695, 36727005, 31975548, 32111562, 31130284); Very strong and specific phenotype match for this individual. Additional information: Variant is predicted to result in a missense amino acid change from Asp to Asn; This variant is heterozygous; This gene is associated with autosomal recessive disease; No published evidence of segregation with disease has been identified for this variant; Other missense variant(s) comparable to the one identified in this case have inconclusive previous evidence for pathogenicity. p.(Asp59His) and p.(Asp59Tyr) have been classified as VUS by clinical laboratories in ClinVar; Variant is located in the annotated pyridoxal-dependent decarboxylase conserved domain (DECIPHER); Missense variant with inconclusive in silico prediction and/or uninformative conservation; Loss of function is a known mechanism of disease in this gene and is associated with aromatic L-amino acid decarboxylase deficiency (AADC deficiency) (MIM#608643); Heterozygous variant detected in trans with a second LIKELY PATHOGENIC heterozygous variant (NM_001082971.2(DDC):c.200G>T; p.(Gly67Val)) in a recessive disease.

Women's Health and Genetics/Laboratory Corporation of America, LabCorp
Classification: Likely pathogenic for Deficiency of aromatic-L-amino-acid decarboxylase. Last evaluated: 2024-11-01. Review status: criteria provided, single submitter. Criteria: LabCorp Variant Classification Summary - May 2015. Collection method: clinical testing. Allele origin: germline.
Comment: Variant summary: DDC c.175G>A (p.Asp59Asn) results in a conservative amino acid change in the encoded protein sequence. Four of five in-silico tools predict a damaging effect of the variant on protein function. The variant allele was found at a frequency of 4e-06 in 251388 control chromosomes. c.175G>A has been reported in the literature in the presumed compound heterozygous and homozygous states in multiple individuals affected with Deficiency Of Aromatic-L-Amino-Acid Decarboxylase (example, Dai_2020, Himmelreich_2019, Monies_2019, Wang_2019, Wen_2020). These data indicate that the variant is likely to be associated with disease. To our knowledge, no experimental evidence demonstrating an impact on protein function has been reported. The following publications have been ascertained in the context of this evaluation (PMID: 31975548, 30952622, 31130284, 31703131, 32409695). ClinVar contains an entry for this variant (Variation ID: 1324215). Based on the evidence outlined above, the variant was classified as likely pathogenic.

Labcorp Genetics (formerly Invitae), Labcorp
Classification: Pathogenic for Deficiency of aromatic-L-amino-acid decarboxylase. Last evaluated: 2024-10-17. Review status: criteria provided, single submitter. Criteria: Invitae Variant Classification Sherloc (09022015). Collection method: clinical testing. Allele origin: germline.
Comment: This sequence change replaces aspartic acid, which is acidic and polar, with asparagine, which is neutral and polar, at codon 59 of the DDC protein (p.Asp59Asn). This variant is present in population databases (no rsID available, gnomAD 0.0009%). This missense change has been observed in individual(s) with clinical features of aromatic-L-amino acid decarboxylase (AADC) deficiency (PMID: 30952622, 31130284, 31703131, 31975548, 32409695). In at least one individual the data is consistent with being in trans (on the opposite chromosome) from a pathogenic variant. ClinVar contains an entry for this variant (Variation ID: 1324215). Invitae Evidence Modeling of protein sequence and biophysical properties (such as structural, functional, and spatial information, amino acid conservation, physicochemical variation, residue mobility, and thermodynamic stability) indicates that this missense variant is expected to disrupt DDC protein function with a positive predictive value of 80%. For these reasons, this variant has been classified as Pathogenic.

Literature cited by the submitters: PubMed 31975548 (cited by 3 submitters); PubMed 36727005 (cited by Victorian Clinical Genetics Services, Murdoch Childrens Research Institute); PubMed 32409695 (cited by 3 submitters); PubMed 31130284 (cited by 3 submitters); PubMed 32111562 (cited by Victorian Clinical Genetics Services, Murdoch Childrens Research Institute); PubMed 30952622 (cited by Women's Health and Genetics/Laboratory Corporation of America, LabCorp and Labcorp Genetics (formerly Invitae), Labcorp); PubMed 31703131 (cited by Women's Health and Genetics/Laboratory Corporation of America, LabCorp and Labcorp Genetics (formerly Invitae), Labcorp).